The following is an entry in ClinVar:

ClinVar aggregate classification (germline): Benign/Likely benign. Review status: criteria provided, multiple submitters, no conflicts (2 of 4 stars). 6 submissions from 6 submitters: Benign (4); Likely benign (1). 1 of the submissions does not count toward it. Last evaluated 2026-02-04.

Conditions:
MYOM1-related disorder.
Hypertrophic cardiomyopathy. Also called: HYPERTROPHIC MYOCARDIOPATHY. Identifiers: Orphanet 217569, MedGen C0007194, MeSH D002312, MONDO:0005045, HP:0001639.

Allele frequency attached by ClinVar (database versions not stated): gnomAD exomes 0.05793 and 0.05833; ExAC 0.06161; 1000 Genomes Project 0.08946; gnomAD 0.09033 and 0.09353; TOPMed 0.09787; ESP Exome Variant Server 0.09979.
gnomAD v4.1: 99,501 of 1,613,030 alleles (6.2%); highest among the groups gnomAD compares: African/African-American, 19%; 3,965 homozygotes.

Submissions (6):

Labcorp Genetics (formerly Invitae), Labcorp
Classification: Benign for Hypertrophic cardiomyopathy. Last evaluated: 2026-02-04. Review status: criteria provided, single submitter. Criteria: Invitae Variant Classification Sherloc (09022015). Collection method: clinical testing. Allele origin: germline.

Ambry Genetics
Classification: Likely benign. Last evaluated: 2022-05-17. Review status: criteria provided, single submitter. Criteria: Ambry Variant Classification Scheme 2023. Collection method: clinical testing. Allele origin: germline.

GeneDx
Classification: Benign. Last evaluated: 2019-02-28. Review status: criteria provided, single submitter. Criteria: GeneDx Variant Classification Process June 2021. Collection method: clinical testing. Allele origin: germline. Affected: yes.

Laboratory for Molecular Medicine, Mass General Brigham Personalized Medicine
Classification: Benign. Last evaluated: 2014-11-24. Review status: criteria provided, single submitter. Criteria: LMM Criteria. Collection method: clinical testing. Allele origin: germline. Observed: 56 variant alleles.
Comment: Ser220Ser in exon 4 of MYOM1: This variant is not expected to have clinical sign ificance because it does not alter an amino acid residue and is not located with in the splice consensus sequence. It has been identified in 18.4% (744/4036) of African American chromosomes from a broad population by the NHLBI Exome Sequenci ng Project (dbSNP rs2230166).

Breakthrough Genomics
Classification: Benign. Review status: criteria provided, single submitter. Criteria: ACMG Guidelines, 2015. Collection method: not provided. Allele origin: germline. Inheritance: Unknown mechanism. Affected: yes.

PreventionGenetics, part of Exact Sciences
Classification: Benign for MYOM1-related condition. Last evaluated: 2019-11-20. Review status: no assertion criteria provided. Collection method: clinical testing. Allele origin: germline. Not counted in ClinVar's aggregate classification.
Comment: This variant is classified as benign based on ACMG/AMP sequence variant interpretation guidelines (Richards et al. 2015 PMID: 25741868, with internal and published modifications).

NM_003803.4(MYOM1):c.660T>C (p.Ser220=)

Gene: MYOM1 (myomesin 1; minus strand). Cytogenetic location: 18p11.31.
Variant type: single nucleotide variant.
Coding change: c.660T>C on transcript NM_003803.4 (MANE Select); coding-DNA position 660, T replaced by C.
Protein change: p.Ser220=; no amino-acid change (serine 220 retained).
Molecular consequence: synonymous variant.
Genome position (GRCh38, 1-based): chr18:3,188,859, A>G on the plus strand (T>C on the coding strand, the complement: MYOM1 is on the minus strand). VCF-style: chr18-3188859-A-G. GRCh37 (hg19) VCF-style: chr18-3188857-A-G.
Other names: c.660T>C, p.Ser220= (NM_019856.2).
Identifiers: ClinVar variation 226834 (VCV000226834.23), dbSNP rs2230166, ClinGen allele CA8875180.